The following is an entry in ClinVar:

NM_005996.4(TBX3):c.2161G>C (p.Ala721Pro)

Gene: TBX3 (T-box transcription factor 3; minus strand). Cytogenetic location: 12q24.21.
Variant type: single nucleotide variant.
Coding change: c.2161G>C on transcript NM_005996.4 (MANE Select); coding-DNA position 2161, G replaced by C.
Protein change: p.Ala721Pro; replaces alanine 721 with proline.
Molecular consequence: missense variant.
Genome position (GRCh38, 1-based): chr12:114,671,852, C>G on the plus strand (G>C on the coding strand, the complement: TBX3 is on the minus strand). VCF-style: chr12-114671852-C-G. GRCh37 (hg19) VCF-style: chr12-115109657-C-G.
Other names: c.2221G>C, p.Ala741Pro (NM_016569.4); c.2221G>C (NM_016569.3); short protein forms A721P, A741P.
Identifiers: ClinVar variation 2058896 (VCV002058896.9), dbSNP rs138010059, ClinGen allele CA6809769.
Genomic context (GRCh38, chr12:114,671,852, plus strand): 5'-CACGGCAGCCTGAACTGGACTGGAATGAAAAGACGTGTCTGGGACGGGTCTACGGGGACG[C>G]GCTGCGGGACCTGTCCGGCTTGGCTTCCAAGCCGCTAACCAACCGCTGGATGCTCTGCAG-3'
Protein context (NP_005987.3, residues 711-723): LEAKPDRSRS[Ala721Pro]SP

ClinVar aggregate classification (germline): Conflicting classifications of pathogenicity. Review status: criteria provided, conflicting classifications (1 of 4 stars). 4 submissions from 4 submitters: Uncertain significance (2); Likely benign (1). 1 of the submissions does not count toward it. Last evaluated 2025-12-19.

Conditions:
Inborn genetic diseases. Identifiers: MedGen C0950123, MeSH D030342.
Ulnar-mammary syndrome (UMS). Also called: Ulnar-mammary syndrome of Pallister; PALLISTER ULNAR-MAMMARY SYNDROME; SCHINZEL SYNDROME. Identifiers: Orphanet 3138, MedGen C1866994, MONDO:0008411, OMIM 181450.
TBX3-related disorder. Also called: TBX3-related condition.

Allele frequency attached by ClinVar (database versions not stated): TOPMed 0.00008; gnomAD exomes 0.00009; ESP Exome Variant Server 0.00015; gnomAD 0.00015; ExAC 0.00022.
gnomAD v4.1: 145 of 1,556,502 alleles (0.0093%); highest among the groups gnomAD compares: Non-Finnish European, 0.012%; no homozygotes.

Submissions (4):

Labcorp Genetics (formerly Invitae), Labcorp
Classification: Uncertain significance for Ulnar-mammary syndrome. Last evaluated: 2025-12-19. Review status: criteria provided, single submitter. Criteria: Invitae Variant Classification Sherloc (09022015). Collection method: clinical testing. Allele origin: germline.
Comment: This sequence change replaces alanine, which is neutral and non-polar, with proline, which is neutral and non-polar, at codon 721 of the TBX3 protein (p.Ala721Pro). This variant is present in population databases (rs138010059, gnomAD 0.03%), and has an allele count higher than expected for a pathogenic variant. This variant has not been reported in the literature in individuals affected with TBX3-related conditions. ClinVar contains an entry for this variant (Variation ID: 2058896). An algorithm developed to predict the effect of missense changes on protein structure and function (PolyPhen-2) suggests that this variant is likely to be tolerated. In summary, the available evidence is currently insufficient to determine the role of this variant in disease. Therefore, it has been classified as a Variant of Uncertain Significance.

Blueprint Genetics
Classification: Likely benign. Last evaluated: 2024-11-21. Review status: criteria provided, single submitter. Criteria: ACMG Guidelines, 2015. Collection method: clinical testing. Allele origin: germline.

Ambry Genetics
Classification: Uncertain significance for Inborn genetic diseases. Last evaluated: 2024-06-17. Review status: criteria provided, single submitter. Criteria: Ambry Variant Classification Scheme 2023. Collection method: clinical testing. Allele origin: germline.

PreventionGenetics, part of Exact Sciences
Classification: Likely benign for TBX3-related condition. Last evaluated: 2021-08-02. Review status: no assertion criteria provided. Collection method: clinical testing. Allele origin: germline. Not counted in ClinVar's aggregate classification.
Comment: This variant is classified as likely benign based on ACMG/AMP sequence variant interpretation guidelines (Richards et al. 2015 PMID: 25741868, with internal and published modifications).